The following is an entry in ClinVar:

NM_001374736.1(DST):c.15526G>C (p.Glu5176Gln)

Gene: DST (dystonin; minus strand). Cytogenetic location: 6p12.1.
Variant type: single nucleotide variant.
Coding change: c.15526G>C on transcript NM_001374736.1 (MANE Select); coding-DNA position 15526, G replaced by C.
Protein change: p.Glu5176Gln; replaces glutamic acid 5176 with glutamine.
Molecular consequence: missense variant.
Genome position (GRCh38, 1-based): chr6:56,553,266, C>G on the plus strand (G>C on the coding strand, the complement: DST is on the minus strand). VCF-style: chr6-56553266-C-G. GRCh37 (hg19) VCF-style: chr6-56418064-C-G.
Other names: c.9169G>C, p.Glu3057Gln (NM_001144769.5); c.8755G>C, p.Glu2919Gln (NM_001144770.2); c.15526G>C, p.Glu5176Gln (NM_001374722.1); c.14893G>C, p.Glu4965Gln (NM_001374729.1); c.8635G>C, p.Glu2879Gln (NM_001374730.1, NM_183380.4); c.15553G>C, p.Glu5185Gln (NM_001374734.1); c.7657G>C, p.Glu2553Gln (NM_015548.5); short protein forms E2553Q, E2879Q, E2919Q, E5176Q, E4965Q, E5185Q, E3057Q.
Identifiers: ClinVar variation 969191 (VCV000969191.5), dbSNP rs770419341, ClinGen allele CA3867809.

ClinVar aggregate classification (germline): Uncertain significance (1 of 4 stars; one submission).

Conditions:
Epidermolysis bullosa simplex 3, localized or generalized intermediate, with BP230 deficiency (EBS3). Also called: Epidermolysis bullosa simplex, autosomal recessive 2; Epidermolysis bullosa simplex due to BP230 deficiency. Identifiers: Orphanet 412181, MedGen C3809470, MONDO:0014180, OMIM 615425.
Hereditary sensory and autonomic neuropathy type 6. Also called: Neuropathy, hereditary sensory and autonomic, type VI; HSAN VI. Identifiers: Orphanet 314381, MedGen C3539003, MONDO:0013839, OMIM 614653.

Allele frequency attached by ClinVar (database versions not stated): gnomAD 0.00002 and 0.00003; gnomAD exomes 0.00005; ExAC 0.00007.
gnomAD v4.1: 28 of 1,613,612 alleles (0.0017%); highest among the groups gnomAD compares: Middle Eastern, 0.033%; no homozygotes.

Submission:

Labcorp Genetics (formerly Invitae), Labcorp
Classification: Uncertain significance for Epidermolysis bullosa simplex 3, localized or generalized intermediate, with BP230 deficiency; Hereditary sensory and autonomic neuropathy type 6. Last evaluated: 2021-10-08. Review status: criteria provided, single submitter. Criteria: Invitae Variant Classification Sherloc (09022015). Collection method: clinical testing. Allele origin: germline.
Comment: This sequence change replaces glutamic acid with glutamine at codon 2553 of the DST protein (p.Glu2553Gln). The DST gene has multiple clinically relevant transcripts. This variant occurs in alternate transcript NM_015548.4 and corresponds to NM_001723.5:c.*62251G>C in the primary transcript. This variant is present in population databases (rs770419341, ExAC 0.03%). This variant has not been reported in the literature in individuals affected with DST-related conditions. ClinVar contains an entry for this variant (Variation ID: 969191). Algorithms developed to predict the effect of missense changes on protein structure and function output the following: SIFT: "Not Available"; PolyPhen-2: "Not Available"; Align-GVGD: "Not Available". The glutamine amino acid residue is found in multiple mammalian species, which suggests that this missense change does not adversely affect protein function. In summary, the available evidence is currently insufficient to determine the role of this variant in disease. Therefore, it has been classified as a Variant of Uncertain Significance.